The following is an entry in ClinVar:

ClinVar aggregate classification (germline): Likely benign (0 of 4 stars; one submission).

Conditions:
PKD2-related disorder. Also called: PKD2-related condition.

Allele frequency attached by ClinVar (database versions not stated): gnomAD exomes below 0.00001.
gnomAD v4.1: 2 of 1,325,086 alleles (0.00015%); highest among the groups gnomAD compares: Non-Finnish European, 0.00022%; no homozygotes.

Submission:

PreventionGenetics, part of Exact Sciences
Classification: Likely benign for PKD2-related condition. Last evaluated: 2022-10-18. Review status: no assertion criteria provided. Collection method: clinical testing. Allele origin: germline.
Comment: This variant is classified as likely benign based on ACMG/AMP sequence variant interpretation guidelines (Richards et al. 2015 PMID: 25741868, with internal and published modifications).

NM_000297.4(PKD2):c.2118+8A>G

Gene: PKD2 (polycystin 2, transient receptor potential cation channel; plus strand). Cytogenetic location: 4q22.1.
Variant type: single nucleotide variant.
Coding change: c.2118+8A>G on transcript NM_000297.4 (MANE Select); 8 bases into the intron after coding-DNA position 2118, A replaced by G.
Molecular consequence: intron variant.
Genome position (GRCh38, 1-based): chr4:88,062,012, A>G. VCF-style: chr4-88062012-A-G. GRCh37 (hg19) VCF-style: chr4-88983164-A-G.
Identifiers: ClinVar variation 3054526 (VCV003054526.2), dbSNP rs2475970476, ClinGen allele CA2578140762.
Genomic context (GRCh38, chr4:88,062,012, plus strand): 5'-CTGACTTGGCACAGCAGAAAGCTGAAATGGAACTCTCAGATCTTATCAGAAAGGTAGGAA[A>G]AACCTTAATTCTCAGAATTCTTCTGTTTCTGACATAAAATGAGCATTGTTTCACCCAGAT-3'